The following is an entry in ClinVar:

ClinVar aggregate classification (germline): Likely pathogenic. Review status: criteria provided, multiple submitters, no conflicts (2 of 4 stars). 2 submissions from 2 submitters: Likely pathogenic (2). Last evaluated 2025-08-17.

Conditions:
TTLL5-related disorder. Also called: TTLL5-related condition.

gnomAD v4.1: 4 of 1,612,000 alleles (0.00025%); highest among the groups gnomAD compares: Non-Finnish European, 0.000085%; no homozygotes.

Submissions (3):

Labcorp Genetics (formerly Invitae), Labcorp
Classification: Likely pathogenic. Last evaluated: 2025-08-17. Review status: criteria provided, single submitter. Criteria: Invitae Variant Classification Sherloc (09022015). Collection method: clinical testing. Allele origin: germline.
Comment: This sequence change affects an acceptor splice site in intron 3 of the TTLL5 gene. It is expected to disrupt RNA splicing. Variants that disrupt the donor or acceptor splice site typically lead to a loss of protein function (PMID: 16199547), and loss-of-function variants in TTLL5 are known to be pathogenic (PMID: 24791901, 27162334). The frequency data for this variant in the population databases is considered unreliable, as metrics indicate poor data quality at this position in the gnomAD database. This variant has not been reported in the literature in individuals affected with TTLL5-related conditions. Algorithms developed to predict the effect of sequence changes on RNA splicing suggest that this variant may disrupt the consensus splice site. In summary, the currently available evidence indicates that the variant is pathogenic, but additional data are needed to prove that conclusively. Therefore, this variant has been classified as Likely Pathogenic.

Blueprint Genetics
Classification: Likely pathogenic for TTLL5-related disorders. Last evaluated: 2024-01-19. Review status: criteria provided, single submitter. Criteria: ACMG Guidelines, 2015. Collection method: clinical testing. Allele origin: germline. Affected: yes. Observed: 2 variant alleles.

Dr. Peter K. Rogan Lab, Western University
No classification provided (evidence only). Condition: Hepatocellular carcinoma. Review status: no classification provided. Collection method: in vitro. Allele origin: not applicable. Functional consequence: retained intron. Not counted in ClinVar's aggregate classification.

Literature cited by the submitters: PubMed 16199547 (cited by Labcorp Genetics (formerly Invitae), Labcorp); PubMed 24791901 (cited by Labcorp Genetics (formerly Invitae), Labcorp); PubMed 27162334 (cited by Labcorp Genetics (formerly Invitae), Labcorp).

NM_015072.5(TTLL5):c.182-1G>T

Gene: TTLL5 (tubulin tyrosine ligase like 5; plus strand). Cytogenetic location: 14q24.3.
Variant type: single nucleotide variant.
Coding change: c.182-1G>T on transcript NM_015072.5 (MANE Select); the canonical splice acceptor site of the intron before coding-DNA position 182, G replaced by T.
Molecular consequence: splice acceptor variant.
Genome position (GRCh38, 1-based): chr14:75,681,544, G>T. VCF-style: chr14-75681544-G-T. GRCh37 (hg19) VCF-style: chr14-76147887-G-T.
Other names: NC_000014.8:g.76147887G>T.
Identifiers: ClinVar variation 4399401 (VCV004399401.3).